The following is an entry in ClinVar:

ClinVar aggregate classification (germline): Pathogenic. Review status: criteria provided, multiple submitters, no conflicts (2 of 4 stars). 2 submissions from 2 submitters: Pathogenic (2). Last evaluated 2025-09-22.

Conditions:
Long QT syndrome (LQTS). Identifiers: MedGen C0023976, MeSH D008133, MONDO:0002442. Disease mechanism: loss of function. Inheritance: Various modes of inheritance.
Cardiac arrhythmia. Also called: Arrhythmia; Cardiac rhythm disease. Identifiers: MedGen C0003811, MONDO:0007263, HP:0011675.

Submissions (2):

Labcorp Genetics (formerly Invitae), Labcorp
Classification: Pathogenic for Long QT syndrome. Last evaluated: 2025-09-22. Review status: criteria provided, single submitter. Criteria: Invitae Variant Classification Sherloc (09022015). Collection method: clinical testing. Allele origin: germline.
Comment: This sequence change creates a premature translational stop signal (p.Asp1037Glyfs*22) in the KCNH2 gene. It is expected to result in an absent or disrupted protein product. Loss-of-function variants in KCNH2 are known to be pathogenic (PMID: 10973849, 19862833). This variant is not present in population databases (gnomAD no frequency). This variant has not been reported in the literature in individuals affected with KCNH2-related conditions. ClinVar contains an entry for this variant (Variation ID: 1414553). For these reasons, this variant has been classified as Pathogenic.

Women's Health and Genetics/Laboratory Corporation of America, LabCorp
Classification: Pathogenic for Cardiac arrhythmia. Last evaluated: 2024-06-10. Review status: criteria provided, single submitter. Criteria: LabCorp Variant Classification Summary - May 2015. Collection method: clinical testing. Allele origin: germline.
Comment: Variant summary: KCNH2 c.3105_3109dupGGGCG (p.Asp1037GlyfsX22) results in a premature termination codon, predicted to cause a truncation of the encoded protein or absence of the protein due to nonsense mediated decay, which are commonly known mechanisms for disease. The variant was absent in 144622 control chromosomes. To our knowledge, no occurrence of c.3105_3109dupGGGCG in individuals affected with Arrhythmia and no experimental evidence demonstrating its impact on protein function have been reported. ClinVar contains an entry for this variant (Variation ID: 1414553). Based on the evidence outlined above, the variant was classified as pathogenic.

Literature cited by the submitters: PubMed 10973849 (cited by Labcorp Genetics (formerly Invitae), Labcorp); PubMed 19862833 (cited by Labcorp Genetics (formerly Invitae), Labcorp).

NM_000238.4(KCNH2):c.3105_3109dup (p.Asp1037fs)

Gene: KCNH2 (potassium voltage-gated channel subfamily H member 2; minus strand). Cytogenetic location: 7q36.1.
Variant type: Duplication.
Coding change: c.3105_3109dup on transcript NM_000238.4 (MANE Select); coding-DNA positions 3105 to 3109, 5 bases duplicated (GGGCG; older notation c.3105_3109dupGGGCG).
Protein change: p.Asp1037fs; shifts the reading frame from aspartic acid 1037.
Molecular consequence: frameshift variant.
Genome position (GRCh38, 1-based): chr7:150,947,371-150,947,375, CGCCC duplicated on the plus strand (GGGCG on the coding strand, the reverse complement: KCNH2 is on the minus strand); duplicating any 5 consecutive bases within chr7:150,947,371-150,947,377 gives the same sequence; the c. name uses the placement nearest the transcript's 3' end. VCF-style (leftmost placement, unchanged base first): chr7-150947370-T-TCGCCC. GRCh37 (hg19) VCF-style: chr7-150644458-T-TCGCCC.
Other names: c.2085_2089dup, p.Asp697fs (NM_172057.3); c.3105_3109dupGGGCG (NM_000238.4); short protein forms D1037fs, D697fs.
Identifiers: ClinVar variation 1414553 (VCV001414553.7), dbSNP rs2116928557, ClinGen allele CA2573141844.